The following is an entry in ClinVar:

NM_177438.3(DICER1):c.4553T>A (p.Val1518Asp)

Gene: DICER1 (dicer 1, ribonuclease III; minus strand). Cytogenetic location: 14q32.13.
Variant type: single nucleotide variant.
Coding change: c.4553T>A on transcript NM_177438.3 (MANE Select); coding-DNA position 4553, T replaced by A.
Protein change: p.Val1518Asp; replaces valine 1518 with aspartic acid.
Molecular consequence: missense variant.
Genome position (GRCh38, 1-based): chr14:95,096,367, A>T on the plus strand (T>A on the coding strand, the complement: DICER1 is on the minus strand). VCF-style: chr14-95096367-A-T. GRCh37 (hg19) VCF-style: chr14-95562704-A-T.
Other names: c.4553T>A, p.Val1518Asp (NM_001195573.1, NM_001271282.3, NM_001291628.2 and 1 more transcripts); short protein forms V1518D.
Identifiers: ClinVar variation 933350 (VCV000933350.12), dbSNP rs1890336775, ClinGen allele CA390867832.

ClinVar aggregate classification (germline): Uncertain significance. Review status: criteria provided, multiple submitters, no conflicts (2 of 4 stars). 2 submissions from 2 submitters: Uncertain significance (2). Last evaluated 2025-06-11.

Conditions:
DICER1-related tumor predisposition. Also called: DICER1-related pleuropulmonary blastoma cancer predisposition syndrome; DICER1 syndrome. Identifiers: Orphanet 284343, MedGen C3839822, MONDO:0100216.
Hereditary cancer-predisposing syndrome. Also called: Tumor predisposition; Hereditary neoplastic syndrome; Neoplastic Syndromes, Hereditary; Hereditary Cancer Syndrome. Identifiers: Orphanet 140162, MedGen C0027672, MeSH D009386, MONDO:0015356.

gnomAD v4.1: 1 of 1,614,186 alleles (0.000062%); no homozygotes.

Submissions (2):

Labcorp Genetics (formerly Invitae), Labcorp
Classification: Uncertain significance for DICER1-related tumor predisposition. Last evaluated: 2025-06-11. Review status: criteria provided, single submitter. Criteria: Invitae Variant Classification Sherloc (09022015). Collection method: clinical testing. Allele origin: germline.
Comment: This sequence change replaces valine, which is neutral and non-polar, with aspartic acid, which is acidic and polar, at codon 1518 of the DICER1 protein (p.Val1518Asp). This variant is not present in population databases (gnomAD no frequency). This variant has not been reported in the literature in individuals affected with DICER1-related conditions. ClinVar contains an entry for this variant (Variation ID: 933350). Invitae Evidence Modeling of protein sequence and biophysical properties (such as structural, functional, and spatial information, amino acid conservation, physicochemical variation, residue mobility, and thermodynamic stability) indicates that this missense variant is not expected to disrupt DICER1 protein function with a negative predictive value of 95%. In summary, the available evidence is currently insufficient to determine the role of this variant in disease. Therefore, it has been classified as a Variant of Uncertain Significance.

Ambry Genetics
Classification: Uncertain significance for Hereditary cancer-predisposing syndrome. Last evaluated: 2024-08-20. Review status: criteria provided, single submitter. Criteria: Ambry Variant Classification Scheme 2023. Collection method: clinical testing. Allele origin: germline.
Comment: The p.V1518D variant (also known as c.4553T>A), located in coding exon 22 of the DICER1 gene, results from a T to A substitution at nucleotide position 4553. The valine at codon 1518 is replaced by aspartic acid, an amino acid with highly dissimilar properties. This amino acid position is well conserved in available vertebrate species. In addition, the in silico prediction for this alteration is inconclusive. Based on the available evidence, the clinical significance of this variant remains unclear.